The following is an entry in ClinVar:

ClinVar aggregate classification (germline): Uncertain significance. Review status: criteria provided, multiple submitters, no conflicts (2 of 4 stars). 3 submissions from 3 submitters: Uncertain significance (3). Last evaluated 2025-07-03.

Conditions:
Cardiofaciocutaneous syndrome 4 (CFC4). Also called: MAP2K2-Related Cardiofaciocutaneous Syndrome. Identifiers: Orphanet 1340, MedGen C3809007, MONDO:0014114, OMIM 615280.
RASopathy. Also called: Noonan spectrum disorder; rasopathies. Identifiers: Orphanet 536391, MedGen C5555857, MONDO:0021060.

Allele frequency attached by ClinVar (database versions not stated): ExAC 0.00001; gnomAD exomes 0.00001 and below 0.00001.
gnomAD v4.1: 7 of 1,599,346 alleles (0.00044%); highest among the groups gnomAD compares: East Asian, 0.0023%; no homozygotes.

Submissions (3):

Labcorp Genetics (formerly Invitae), Labcorp
Classification: Uncertain significance for RASopathy. Last evaluated: 2025-07-03. Review status: criteria provided, single submitter. Criteria: Invitae Variant Classification Sherloc (09022015). Collection method: clinical testing. Allele origin: germline.
Comment: This sequence change replaces tyrosine, which is neutral and polar, with cysteine, which is neutral and slightly polar, at codon 324 of the MAP2K2 protein (p.Tyr324Cys). This variant is present in population databases (rs730880512, gnomAD 0.003%). This variant has not been reported in the literature in individuals affected with MAP2K2-related conditions. ClinVar contains an entry for this variant (Variation ID: 180907). Invitae Evidence Modeling incorporating data from in vitro experimental studies (internal data) indicates that this missense variant is not expected to disrupt MAP2K2 function with a negative predictive value of 95%. In summary, the available evidence is currently insufficient to determine the role of this variant in disease. Therefore, it has been classified as a Variant of Uncertain Significance.

St. Jude Molecular Pathology, St. Jude Children's Research Hospital
Classification: Uncertain significance for Cardiofaciocutaneous syndrome 4. Last evaluated: 2023-08-17. Review status: criteria provided, single submitter. Criteria: St. Jude Assertion Criteria 2020. Collection method: clinical testing. Allele origin: germline.
Comment: The MAP2K2 c.971A>G (p.Tyr324Cys) missense change has a maximum subpopulation frequency of 0.0033% in gnomAD v2.1.1. The in silico tool REVEL predicts a deleterious effect on protein function, but to our knowledge this prediction has not been confirmed by functional studies. To our knowledge, this variant has not been reported in individuals with cardiofaciocutanous syndrome. In summary, the evidence currently available is insufficient to determine the clinical significance of this variant. It has therefore been classified as of uncertain significance.

GeneDx
Classification: Uncertain significance. Last evaluated: 2014-05-02. Review status: criteria provided, single submitter. Criteria: GeneDx Variant Classification (06012015). Collection method: clinical testing. Allele origin: germline. Affected: yes.
Comment: p.Tyr324Cys (TAT>TGT): c.971 A>G in exon 8 of the MAP2K2 gene (NM_030662.3) A variant of unknown significance has been identified in the MAP2K2 gene. The Y324C variant has not been published as a mutation, nor has it been reported as a benign polymorphism to our knowledge. The Y324C variant was not observed in approximately 6,500 individuals of European and African American ancestry in the NHLBI Exome Sequencing Project, indicating it is not a common benign variant in these populations. The Y324C variant is a non-conservative amino acid substitution, which is likely to impact secondary protein structure as these residues differ in polarity, charge, size and/or other properties. This substitution occurs at a position that is highly conserved across species. In silico analysis predicts this variant is probably damaging to the protein structure/function. No missense mutations in the MAP2K2 gene have been reported downstream from this amino acid position to amino acid position 273 at the N-terminus. Although the majority of missense changes in MAP2K2 are pathogenic mutations, the potential for benign coding variants to exist in this gene must be considered. Therefore, based on the currently available information, it is unclear whether this variant is a pathogenic mutation or a rare benign variant. The variant is found in NOONAN panel(s).

NM_030662.4(MAP2K2):c.971A>G (p.Tyr324Cys)

Gene: MAP2K2 (mitogen-activated protein kinase kinase 2; minus strand). Cytogenetic location: 19p13.3.
Variant type: single nucleotide variant.
Coding change: c.971A>G on transcript NM_030662.4 (MANE Select); coding-DNA position 971, A replaced by G.
Protein change: p.Tyr324Cys; replaces tyrosine 324 with cysteine.
Molecular consequence: missense variant.
Genome position (GRCh38, 1-based): chr19:4,097,292, T>C on the plus strand (A>G on the coding strand, the complement: MAP2K2 is on the minus strand). VCF-style: chr19-4097292-T-C. GRCh37 (hg19) VCF-style: chr19-4097290-T-C.
Other names: p.Y324C:TAT>TGT; short protein forms Y324C.
Identifiers: ClinVar variation 180907 (VCV000180907.8), dbSNP rs730880512, ClinGen allele CA296151.
Genomic context (GRCh38, chr19:4,097,292, plus strand): 5'-AGAAGAAAGAAAAGGAAAAGAAAAGCCAAAAGGCATCAAGCACAAACCTCGTTCACAATA[T>C]AGTCCAGGAGTTCAAAGATGGCCATGGCAGGCCGGCTATCCATCCCGTGACCTGCACAGG-3'
Protein context (NP_109587.1, residues 314-334): PAMAIFELLD[Tyr324Cys]IVNEPPPKLP